The following is an entry in ClinVar:

ClinVar aggregate classification (germline): Uncertain significance (1 of 4 stars; one submission).

Submission:

Labcorp Genetics (formerly Invitae), Labcorp
Classification: Uncertain significance. Last evaluated: 2022-03-01. Review status: criteria provided, single submitter. Criteria: Invitae Variant Classification Sherloc (09022015). Collection method: clinical testing. Allele origin: germline.
Comment: In summary, the available evidence is currently insufficient to determine the role of this variant in disease. Therefore, it has been classified as a Variant of Uncertain Significance. Algorithms developed to predict the effect of missense changes on protein structure and function are either unavailable or do not agree on the potential impact of this missense change (SIFT: "Deleterious"; PolyPhen-2: "Probably Damaging"; Align-GVGD: "Class C0"). This variant has not been reported in the literature in individuals affected with CCDC8-related conditions. This variant is not present in population databases (gnomAD no frequency). This sequence change replaces leucine, which is neutral and non-polar, with proline, which is neutral and non-polar, at codon 12 of the CCDC8 protein (p.Leu12Pro).

NM_032040.5(CCDC8):c.35T>C (p.Leu12Pro)

Gene: CCDC8 (coiled-coil domain containing 8 subunit of 3M complex; minus strand). Cytogenetic location: 19q13.32.
Variant type: single nucleotide variant.
Coding change: c.35T>C on transcript NM_032040.5 (MANE Select); coding-DNA position 35, T replaced by C.
Protein change: p.Leu12Pro; replaces leucine 12 with proline.
Molecular consequence: missense variant.
Genome position (GRCh38, 1-based): chr19:46,412,776, A>G on the plus strand (T>C on the coding strand, the complement: CCDC8 is on the minus strand). VCF-style: chr19-46412776-A-G. GRCh37 (hg19) VCF-style: chr19-46916033-A-G.
Other names: short protein forms L12P.
Identifiers: ClinVar variation 2105393 (VCV002105393.4), dbSNP rs2513603090, ClinGen allele CA406464422.